The following is an entry in ClinVar:

NM_001379200.1(TBX1):c.182C>T (p.Pro61Leu)

Gene: TBX1 (T-box transcription factor 1; plus strand). Cytogenetic location: 22q11.21.
Variant type: single nucleotide variant.
Coding change: c.182C>T on transcript NM_001379200.1 (MANE Select); coding-DNA position 182, C replaced by T.
Protein change: p.Pro61Leu; replaces proline 61 with leucine.
Molecular consequence: missense variant.
Genome position (GRCh38, 1-based): chr22:19,761,025, C>T. VCF-style: chr22-19761025-C-T. GRCh37 (hg19) VCF-style: chr22-19748548-C-T.
Other names: c.155C>T, p.Pro52Leu (NM_005992.1, NM_080646.2, NM_080647.1); short protein forms P61L, P52L.
Identifiers: ClinVar variation 1359738 (VCV001359738.8), dbSNP rs1936640287, ClinGen allele CA410681325.

ClinVar aggregate classification (germline): Uncertain significance (1 of 4 stars; one submission).

Conditions:
DiGeorge syndrome. Also called: THIRD AND FOURTH PHARYNGEAL POUCH SYNDROME; Catch22. Identifiers: Orphanet 567, MedGen C0012236, MONDO:0008564, OMIM 188400.

gnomAD v4.1: 3 of 894,766 alleles (0.00034%); highest among the groups gnomAD compares: Non-Finnish European, 0.0004%; no homozygotes.

Submission:

Labcorp Genetics (formerly Invitae), Labcorp
Classification: Uncertain significance for DiGeorge syndrome. Last evaluated: 2021-04-12. Review status: criteria provided, single submitter. Criteria: Invitae Variant Classification Sherloc (09022015). Collection method: clinical testing. Allele origin: germline.
Comment: In summary, the available evidence is currently insufficient to determine the role of this variant in disease. Therefore, it has been classified as a Variant of Uncertain Significance. Algorithms developed to predict the effect of missense changes on protein structure and function are either unavailable or do not agree on the potential impact of this missense change (SIFT: "Deleterious"; PolyPhen-2: "Not Available"; Align-GVGD: "Class C0"). This variant has not been reported in the literature in individuals with TBX1-related conditions. The frequency data for this variant in the population databases is considered unreliable, as metrics indicate insufficient coverage at this position in the ExAC database. This sequence change replaces proline with leucine at codon 52 of the TBX1 protein (p.Pro52Leu). The proline residue is moderately conserved and there is a moderate physicochemical difference between proline and leucine.